The following is an entry in ClinVar:

ClinVar aggregate classification (germline): Uncertain significance (1 of 4 stars; one submission).

Conditions:
Neurofibromatosis, type 1 (NF1). Also called: Peripheral type neurofibromatosis; VON RECKLINGHAUSEN DISEASE; Neurofibromatosis, type I; NEUROFIBROMATOSIS, TYPE I, SOMATIC. Identifiers: Orphanet 636, MedGen C0027831, MONDO:0018975, OMIM 162200. Disease mechanism: loss of function.

Submission:

Labcorp Genetics (formerly Invitae), Labcorp
Classification: Uncertain significance for Neurofibromatosis, type 1. Last evaluated: 2024-03-15. Review status: criteria provided, single submitter. Criteria: Invitae Variant Classification Sherloc (09022015). Collection method: clinical testing. Allele origin: germline.
Comment: This sequence change replaces methionine, which is neutral and non-polar, with threonine, which is neutral and polar, at codon 667 of the NF1 protein (p.Met667Thr). This variant is not present in population databases (gnomAD no frequency). This variant has not been reported in the literature in individuals affected with NF1-related conditions. An algorithm developed to predict the effect of missense changes on protein structure and function (PolyPhen-2) suggests that this variant is likely to be tolerated. In summary, the available evidence is currently insufficient to determine the role of this variant in disease. Therefore, it has been classified as a Variant of Uncertain Significance.

NM_001042492.3(NF1):c.2000T>C (p.Met667Thr)

Gene: NF1 (neurofibromin 1; plus strand). Cytogenetic location: 17q11.2.
Variant type: single nucleotide variant.
Coding change: c.2000T>C on transcript NM_001042492.3 (MANE Select); coding-DNA position 2000, T replaced by C.
Protein change: p.Met667Thr; replaces methionine 667 with threonine.
Molecular consequence: missense variant.
Genome position (GRCh38, 1-based): chr17:31,225,249, T>C. VCF-style: chr17-31225249-T-C. GRCh37 (hg19) VCF-style: chr17-29552267-T-C.
Other names: c.2000T>C, p.Met667Thr (NM_000267.4); short protein forms M667T.
Identifiers: ClinVar variation 3644255 (VCV003644255.2).